The following is an entry in ClinVar:

ClinVar aggregate classification (germline): Uncertain significance (1 of 4 stars; one submission).

Submission:

Dasa
Classification: Uncertain significance. Last evaluated: 2025-08-27. Review status: criteria provided, single submitter. Criteria: DASA Assertion Criteria. Collection method: clinical testing. Allele origin: germline.
Comment: NM_001371928.1(AHDC1):c.2141del (p.Gly714Alafs*18) is a frameshift variant in AHDC1 predicted to alter the reading frame and introduce a premature termination codon and is predicted to result in an absent or altered protein product. This variant is rare in population databases. The currently available literature and clinical evidence are not sufficient to establish a definitive association between this variant and the reported condition. Therefore, this variant is classified as a variant of uncertain significance.

NM_001371928.1(AHDC1):c.2141del (p.Gly714fs)

Gene: AHDC1 (AT-hook DNA binding motif containing 1; minus strand). Cytogenetic location: 1p36.11.
Variant type: Deletion.
Coding change: c.2141del on transcript NM_001371928.1 (MANE Select); coding-DNA position 2141, one base deleted (G; older notation c.2141delG).
Protein change: p.Gly714fs; shifts the reading frame from glycine 714.
Molecular consequence: frameshift variant.
Genome position (GRCh38, 1-based): chr1:27,549,975, C deleted on the plus strand (G on the coding strand, the reverse complement: AHDC1 is on the minus strand); the first of 5 consecutive C bases (chr1:27,549,975-27,549,979); deleting any one gives the same sequence. VCF-style (leftmost placement, unchanged base first): chr1-27549974-GC-G. GRCh37 (hg19) VCF-style: chr1-27876485-GC-G.
Other names: c.2141del, p.Gly714fs (NM_001029882.3); short protein forms G714fs.
Identifiers: ClinVar variation 4886263 (VCV004886263.2).